The following is an entry in ClinVar:

ClinVar aggregate classification (germline): Conflicting classifications of pathogenicity. Review status: criteria provided, conflicting classifications (1 of 4 stars). 15 submissions from 9 submitters: Uncertain significance (2); Benign (1); Likely benign (12). Last evaluated 2026-06-01.

Conditions:
Geleophysic dysplasia. Identifiers: Orphanet 2623, MedGen C3489726, MONDO:0000127.
Acromicric dysplasia (ACMICD). Also called: Acromicric skeletal dysplasia. Identifiers: Orphanet 969, MedGen C0265287, MONDO:0007055, OMIM 102370.
Ectopia lentis 1, isolated, autosomal dominant (ECTOL1). Identifiers: Orphanet 1885, MedGen C3541518, MONDO:0007514, OMIM 129600.
Familial thoracic aortic aneurysm and aortic dissection (TAAD). Also called: Thoracic aortic aneurysms and dissections. Identifiers: Orphanet 91387, MedGen C4707243, MONDO:0019625.
Stiff skin syndrome (SSKS). Identifiers: Orphanet 2833, MedGen C1861456, MONDO:0008492, OMIM 184900.
Marfan syndrome (MFS). Also called: MARFAN SYNDROME, TYPE I; Marfan syndrome type 1; Marfan's syndrome; Marfan syndrome, classic; FBN1-Related Marfan Syndrome. Identifiers: Orphanet 284963, Orphanet 558, MedGen C0024796, MONDO:0007947, OMIM 154700.
Weill-Marchesani syndrome. Also called: WM Syndrome; Mesodermal dysmorphodystrophy congenital. Identifiers: Orphanet 3449, MedGen C0265313, MONDO:0018096.

Allele frequency attached by ClinVar (database versions not stated): gnomAD 0.00014 and 0.00016; TOPMed 0.00018; ExAC 0.00019; gnomAD exomes 0.00019 and 0.00021.
gnomAD v4.1: 333 of 1,613,202 alleles (0.021%); highest among the groups gnomAD compares: South Asian, 0.042%; no homozygotes.

Submissions (15):

CeGaT Center for Human Genetics Tuebingen
Classification: Likely benign. Last evaluated: 2026-06-01. Review status: criteria provided, single submitter. Criteria: CeGaT Center For Human Genetics Tuebingen Variant Classification Criteria Version 2. Collection method: clinical testing. Allele origin: germline. Affected: yes. Observed: 1 variant allele.
Comment: FBN1: BP4, BP7

Labcorp Genetics (formerly Invitae), Labcorp
Classification: Likely benign for Marfan syndrome; Familial thoracic aortic aneurysm and aortic dissection. Last evaluated: 2026-01-20. Review status: criteria provided, single submitter. Criteria: Invitae Variant Classification Sherloc (09022015). Collection method: clinical testing. Allele origin: germline.

Blueprint Genetics
Classification: Likely benign. Last evaluated: 2024-02-23. Review status: criteria provided, single submitter. Criteria: ACMG Guidelines, 2015. Collection method: clinical testing. Allele origin: germline.

All of Us Research Program, National Institutes of Health
Classification: Likely benign for Marfan syndrome. Last evaluated: 2024-01-03. Review status: criteria provided, single submitter. Criteria: ACMG Guidelines, 2015. Collection method: clinical testing. Allele origin: germline. Inheritance: Autosomal dominant inheritance. Observed: 40 variant alleles, 40 heterozygotes.
Comment: This study involves interpretation of variants in research participants for the purpose of population health screening. Participant phenotype was not available at the time of variant classification. Additional details can be found in publication PMID: 35346344, PMCID: PMC8962531

Women's Health and Genetics/Laboratory Corporation of America, LabCorp
Classification: Benign. Last evaluated: 2022-07-24. Review status: criteria provided, single submitter. Criteria: LabCorp Variant Classification Summary - May 2015. Collection method: clinical testing. Allele origin: germline.

GeneDx
Classification: Likely benign. Last evaluated: 2021-02-02. Review status: criteria provided, single submitter. Criteria: GeneDx Variant Classification Process June 2021. Collection method: clinical testing. Allele origin: germline. Affected: yes.

Color Diagnostics, LLC DBA Color Health
Classification: Likely benign for Familial thoracic aortic aneurysm and aortic dissection. Last evaluated: 2018-09-28. Review status: criteria provided, single submitter. Criteria: ACMG Guidelines, 2015. Collection method: clinical testing. Allele origin: germline.

Illumina Laboratory Services, Illumina
Classification: Likely benign for Stiff skin syndrome. Last evaluated: 2018-01-12. Review status: criteria provided, single submitter. Criteria: ICSL Variant Classification Criteria 13 December 2019. Collection method: clinical testing. Allele origin: germline.
Comment: This variant was observed in the ICSL laboratory as part of a predisposition screen in an ostensibly healthy population. It had not been previously curated by ICSL or reported in the Human Gene Mutation Database (HGMD: prior to June 1st, 2018), and was therefore a candidate for classification through an automated scoring system. Utilizing variant allele frequency, disease prevalence and penetrance estimates, and inheritance mode, an automated score was calculated to assess if this variant is too frequent to cause the disease. Based on the score and internal cut-off values, a variant classified as likely benign is not then subjected to further curation. The score for this variant resulted in a classification of likely benign for this disease.

Illumina Laboratory Services, Illumina
Classification: Uncertain significance for Marfan syndrome. Last evaluated: 2018-01-12. Review status: criteria provided, single submitter. Criteria: ICSL Variant Classification Criteria 13 December 2019. Collection method: clinical testing. Allele origin: germline.

Illumina Laboratory Services, Illumina
Classification: Uncertain significance for Familial thoracic aortic aneurysm and aortic dissection. Last evaluated: 2018-01-12. Review status: criteria provided, single submitter. Criteria: ICSL Variant Classification Criteria 13 December 2019. Collection method: clinical testing. Allele origin: germline.

Illumina Laboratory Services, Illumina
Classification: Likely benign for Acromicric dysplasia. Last evaluated: 2018-01-12. Review status: criteria provided, single submitter. Criteria: ICSL Variant Classification Criteria 13 December 2019. Collection method: clinical testing. Allele origin: germline.
Comment: the same text as in the submission from Illumina Laboratory Services, Illumina above.

Illumina Laboratory Services, Illumina
Classification: Likely benign for Geleophysic dysplasia. Last evaluated: 2018-01-12. Review status: criteria provided, single submitter. Criteria: ICSL Variant Classification Criteria 13 December 2019. Collection method: clinical testing. Allele origin: germline.
Comment: the same text as in the submission from Illumina Laboratory Services, Illumina above.

Illumina Laboratory Services, Illumina
Classification: Likely benign for Weill-Marchesani syndrome. Last evaluated: 2018-01-12. Review status: criteria provided, single submitter. Criteria: ICSL Variant Classification Criteria 13 December 2019. Collection method: clinical testing. Allele origin: germline.
Comment: the same text as in the submission from Illumina Laboratory Services, Illumina above.

Illumina Laboratory Services, Illumina
Classification: Likely benign for Ectopia lentis 1, isolated, autosomal dominant. Last evaluated: 2018-01-12. Review status: criteria provided, single submitter. Criteria: ICSL Variant Classification Criteria 13 December 2019. Collection method: clinical testing. Allele origin: germline.
Comment: the same text as in the submission from Illumina Laboratory Services, Illumina above.

Ambry Genetics
Classification: Likely benign for Familial thoracic aortic aneurysm and aortic dissection. Last evaluated: 2015-08-25. Review status: criteria provided, single submitter. Criteria: Ambry Variant Classification Scheme 2023. Collection method: clinical testing. Allele origin: germline.

NM_000138.5(FBN1):c.3936C>T (p.Ser1312=)

Gene: FBN1 (fibrillin 1; minus strand). Cytogenetic location: 15q21.1.
Variant type: single nucleotide variant.
Coding change: c.3936C>T on transcript NM_000138.5 (MANE Select); coding-DNA position 3936, C replaced by T.
Protein change: p.Ser1312=; no amino-acid change (serine 1312 retained).
Molecular consequence: synonymous variant.
Genome position (GRCh38, 1-based): chr15:48,481,683, G>A on the plus strand (C>T on the coding strand, the complement: FBN1 is on the minus strand). VCF-style: chr15-48481683-G-A. GRCh37 (hg19) VCF-style: chr15-48773880-G-A.
Identifiers: ClinVar variation 237089 (VCV000237089.29), dbSNP rs779913610, ClinGen allele CA051715.